The following is an entry in ClinVar:

ClinVar aggregate classification (germline): Pathogenic. Review status: criteria provided, multiple submitters, no conflicts (2 of 4 stars). 3 submissions from 3 submitters: Pathogenic (3). Last evaluated 2024-01-24.

Conditions:
Retinitis pigmentosa 39 (RP39). Identifiers: Orphanet 791, MedGen C3151138, MONDO:0013436, OMIM 613809.
Retinal disorder. Also called: Retinal disorders; Retinopathy; Retinopathies; Retinal Diseases. Identifiers: MedGen C0035309, MONDO:0005283, HP:0000488.

Allele frequency attached by ClinVar (database versions not stated): TOPMed below 0.00001; gnomAD 0.00001.

Submissions (3):

Labcorp Genetics (formerly Invitae), Labcorp
Classification: Pathogenic. Last evaluated: 2024-01-24. Review status: criteria provided, single submitter. Criteria: Invitae Variant Classification Sherloc (09022015). Collection method: clinical testing. Allele origin: germline.
Comment: This sequence change creates a premature translational stop signal (p.Leu2319Argfs*7) in the USH2A gene. It is expected to result in an absent or disrupted protein product. Loss-of-function variants in USH2A are known to be pathogenic (PMID: 10729113, 10909849, 20507924, 25649381). This variant is not present in population databases (gnomAD no frequency). This premature translational stop signal has been observed in individual(s) with Usher syndrome (PMID: 24944099). ClinVar contains an entry for this variant (Variation ID: 1071744). For these reasons, this variant has been classified as Pathogenic.

Baylor Genetics
Classification: Pathogenic for Retinitis pigmentosa 39. Last evaluated: 2023-07-02. Review status: criteria provided, single submitter. Criteria: ACMG Guidelines, 2015. Collection method: clinical testing. Allele origin: unknown.

AURAGEN, Plan France Médecine Génomique
Classification: Pathogenic for Retinal disorder. Last evaluated: 2022-04-01. Review status: criteria provided, single submitter. Criteria: PFMG2025 (Lancet Reg Health Eur. 2025). Collection method: clinical testing. Allele origin: germline. Affected: yes.

Literature cited by the submitters: PubMed 10729113 (cited by Labcorp Genetics (formerly Invitae), Labcorp); PubMed 10909849 (cited by Labcorp Genetics (formerly Invitae), Labcorp); PubMed 20507924 (cited by Labcorp Genetics (formerly Invitae), Labcorp); PubMed 25649381 (cited by Labcorp Genetics (formerly Invitae), Labcorp); PubMed 24944099 (cited by Labcorp Genetics (formerly Invitae), Labcorp).

NM_206933.4(USH2A):c.6956del (p.Leu2319fs)

Gene: USH2A (usherin; minus strand). Cytogenetic location: 1q41.
Variant type: Deletion.
Coding change: c.6956del on transcript NM_206933.4 (MANE Select); coding-DNA position 6956, one base deleted (T; older notation c.6956delT).
Protein change: p.Leu2319fs; shifts the reading frame from leucine 2319.
Molecular consequence: frameshift variant.
Genome position (GRCh38, 1-based): chr1:215,970,626, A deleted on the plus strand (T on the coding strand, the reverse complement: USH2A is on the minus strand). VCF-style (leftmost placement, unchanged base first): chr1-215970625-CA-C. GRCh37 (hg19) VCF-style: chr1-216143967-CA-C.
Other names: short protein forms L2319fs.
Identifiers: ClinVar variation 1071744 (VCV001071744.11), dbSNP rs1201446573, ClinGen allele CA731388265.